The following is an entry in ClinVar:

ClinVar aggregate classification (germline): Uncertain significance (1 of 4 stars; one submission).

Allele frequency attached by ClinVar (database versions not stated): ExAC 0.00001; gnomAD 0.00004; gnomAD exomes 0.00005; TOPMed 0.00005; ESP Exome Variant Server 0.00008.

Submission:

Labcorp Genetics (formerly Invitae), Labcorp
Classification: Uncertain significance. Last evaluated: 2022-05-12. Review status: criteria provided, single submitter. Criteria: Invitae Variant Classification Sherloc (09022015). Collection method: clinical testing. Allele origin: germline.
Comment: In summary, the available evidence is currently insufficient to determine the role of this variant in disease. Therefore, it has been classified as a Variant of Uncertain Significance. This sequence change replaces phenylalanine, which is neutral and non-polar, with isoleucine, which is neutral and non-polar, at codon 270 of the DNAJB13 protein (p.Phe270Ile). This variant is present in population databases (rs138207403, gnomAD 0.005%). This variant has not been reported in the literature in individuals affected with DNAJB13-related conditions. Algorithms developed to predict the effect of missense changes on protein structure and function (SIFT, PolyPhen-2, Align-GVGD) all suggest that this variant is likely to be tolerated.

NM_153614.4(DNAJB13):c.808T>A (p.Phe270Ile)

Gene: DNAJB13 (DnaJ heat shock protein family (Hsp40) member B13; plus strand). Cytogenetic location: 11q13.4.
Variant type: single nucleotide variant.
Coding change: c.808T>A on transcript NM_153614.4 (MANE Select); coding-DNA position 808, T replaced by A.
Protein change: p.Phe270Ile; replaces phenylalanine 270 with isoleucine.
Molecular consequence: missense variant.
Genome position (GRCh38, 1-based): chr11:73,969,971, T>A. VCF-style: chr11-73969971-T-A. GRCh37 (hg19) VCF-style: chr11-73681016-T-A.
Other names: c.634T>A, p.Phe212Ile (NM_001377263.1); short protein forms F270I, F212I.
Identifiers: ClinVar variation 2187106 (VCV002187106.4), dbSNP rs138207403, ClinGen allele CA6180910.
Genomic context (GRCh38, chr11:73,969,971, plus strand): 5'-GGTGCTGCTCTGGGATGCCCTCTATGCTCCTTTCTTTCATCCTATTTCAGCCCCAAATAC[T>A]TCAAGAAGGTGCCAGGGGAGGGGATGCCATTGCCGGAGGACCCCACTAAGAAAGGGGATC-3'
Protein context (NP_705842.2, residues 260-280): PINDIIHPKY[Phe270Ile]KKVPGEGMPL